The following is an entry in ClinVar:

ClinVar aggregate classification (germline): Uncertain significance. Review status: criteria provided, single submitter (1 of 4 stars). 2 submissions from 2 submitters: Uncertain significance (1). 1 of the submissions does not count toward it. Last evaluated 2023-12-06.

Conditions:
MHC class II deficiency. Also called: Bare lymphocyte syndrome 2; BLS, TYPE II. Identifiers: Orphanet 572, MedGen C5447452, MONDO:0008855.

Allele frequency attached by ClinVar (database versions not stated): gnomAD 0.00020 and 0.00021; gnomAD exomes 0.00002 and 0.00006; ExAC 0.00006; TOPMed 0.00021; ESP Exome Variant Server 0.00023.
gnomAD v4.1: 59 of 1,613,318 alleles (0.0037%); highest among the groups gnomAD compares: African/African-American, 0.064%; no homozygotes.

Submissions (2):

Labcorp Genetics (formerly Invitae), Labcorp
Classification: Uncertain significance for MHC class II deficiency. Last evaluated: 2023-12-06. Review status: criteria provided, single submitter. Criteria: Invitae Variant Classification Sherloc (09022015). Collection method: clinical testing. Allele origin: germline.
Comment: This sequence change replaces alanine, which is neutral and non-polar, with serine, which is neutral and polar, at codon 574 of the CIITA protein (p.Ala574Ser). This variant is present in population databases (rs148543906, gnomAD 0.06%). This variant has not been reported in the literature in individuals affected with CIITA-related conditions. ClinVar contains an entry for this variant (Variation ID: 969053). An algorithm developed to predict the effect of missense changes on protein structure and function (PolyPhen-2) suggests that this variant is likely to be disruptive. In summary, the available evidence is currently insufficient to determine the role of this variant in disease. Therefore, it has been classified as a Variant of Uncertain Significance.

Natera, Inc.
Classification: Uncertain significance for Bare lymphocyte syndrome type II. Last evaluated: 2020-06-23. Review status: no assertion criteria provided. Collection method: clinical testing. Allele origin: germline. Not counted in ClinVar's aggregate classification.

NM_000246.4(CIITA):c.1720G>T (p.Ala574Ser)

Gene: CIITA (class II major histocompatibility complex transactivator; plus strand). Cytogenetic location: 16p13.13.
Variant type: single nucleotide variant.
Coding change: c.1720G>T on transcript NM_000246.4 (MANE Select); coding-DNA position 1720, G replaced by T.
Protein change: p.Ala574Ser; replaces alanine 574 with serine.
Molecular consequence: missense variant. On other transcripts: intron variant (1).
Genome position (GRCh38, 1-based): chr16:10,907,212, G>T. VCF-style: chr16-10907212-G-T. GRCh37 (hg19) VCF-style: chr16-11001069-G-T.
Other names: c.1723G>T, p.Ala575Ser (NM_001286402.1, NM_001379332.1); c.1576G>T, p.Ala526Ser (NM_001379330.1); c.1573G>T, p.Ala525Ser (NM_001379331.1); c.1720G>T, p.Ala574Ser (NM_001379333.1); c.1651G>T, p.Ala551Ser (NM_001379334.1); c.860-1771G>T (NM_001286403.2); short protein forms A525S, A575S, A526S, A574S, A551S.
Identifiers: ClinVar variation 969053 (VCV000969053.8), dbSNP rs148543906, ClinGen allele CA7900204.